The following is an entry in ClinVar:

ClinVar aggregate classification (germline): Uncertain significance (1 of 4 stars; one submission).

Submission:

Women's Health and Genetics/Laboratory Corporation of America, LabCorp
Classification: Uncertain significance. Last evaluated: 2025-11-13. Review status: criteria provided, single submitter. Criteria: LabCorp Variant Classification Summary - May 2015. Collection method: clinical testing. Allele origin: germline.
Comment: Variant summary: CEP152 NM_014985.4 c.3466G>C (p.Glu1156Gln) results in a conservative amino acid change in the encoded protein sequence. This variant, also annotated as CEP152 NM_001194998.2 c.3466G>C (p.Asp1156His). Algorithms developed to predict the effect of missense changes on protein structure and function are either unavailable or do not agree on the potential impact of this missense change. In addition, this variant affects the last nucleotide of exon 21 in both transcripts. Several computational tools predict a significant impact on normal splicing: three predict the variant abolishes the 5' splicing donor site, while one predicts the variant severely weakens the 5' donor site. However, these predictions have yet to be confirmed by functional studies. The variant was absent in 249492 control chromosomes (gnomAD). The available data on variant occurrences in the general population are insufficient to allow any conclusion about variant significance. To our knowledge, no occurrence of c.3466G>C in individuals affected with CEP152-related conditions and no experimental evidence demonstrating its impact on protein function have been reported. No submitters have cited clinical-significance assessments for this variant to ClinVar. Based on the evidence outlined above, the variant was classified as uncertain significance.

NM_001194998.2(CEP152):c.3466G>C (p.Asp1156His)

Gene: CEP152 (centrosomal protein 152; minus strand). Cytogenetic location: 15q21.1.
Variant type: single nucleotide variant.
Coding change: c.3466G>C on transcript NM_001194998.2 (MANE Select); coding-DNA position 3466, G replaced by C.
Protein change: p.Asp1156His; replaces aspartic acid 1156 with histidine.
Molecular consequence: missense variant.
Genome position (GRCh38, 1-based): chr15:48,752,349, C>G on the plus strand (G>C on the coding strand, the complement: CEP152 is on the minus strand). VCF-style: chr15-48752349-C-G. GRCh37 (hg19) VCF-style: chr15-49044546-C-G.
Other names: c.3466G>C, p.Glu1156Gln (NM_014985.4); short protein forms D1156H, E1156Q.
Identifiers: ClinVar variation 4536722 (VCV004536722.1).